The following continues an entry in ClinVar:

NM_000540.3(RYR1):c.13673G>A (p.Arg4558Gln)

Gene: RYR1. ClinVar aggregate classification (germline): Uncertain significance. Uncertain significance (1).

Submissions 7 to 17 of 17:

PreventionGenetics, part of Exact Sciences
Classification: Likely pathogenic for RYR1-related condition. Last evaluated: 2023-06-02. Review status: criteria provided, single submitter. Criteria: ACMG Guidelines, 2015. Collection method: clinical testing. Allele origin: germline. Not counted in ClinVar's aggregate classification.
Comment: The RYR1 c.13673G>A variant is predicted to result in the amino acid substitution p.Arg4558Gln. This variant has been reported in the compound heterozygous state in two siblings with central core disease with the heterozygous carrier parent showing no symptoms of RYR1-related disorders (Kossugue et al 2007. PubMed ID: 17226826). This variant was observed with a second RYR1 loss-of-function variant in four additional patients with congenital myopathy (Monnier N et al 2008. PubMed ID: 18253926; Remiche et al. 2015. PubMed ID: 25747005; Pinto et al. 2022. PubMed ID: 35548885). One of these patients was reported to have had surgery in the past with no adverse effects from anesthesia and carrier family members did not have symptoms (Remiche et al. 2015. PubMed ID: 25747005 ). A different substitution of this amino acid (p.Arg4558Trp) has also been reported in cases of autosomal recessive RYR1-related disorders (Gonzalez-Quereda L et al 2020. PubMed ID: 32403337; Abath Neto et al 2017. PubMed ID: 28818389). Of note, this variant has been reported in ClinVar by an ClinGen Expert Malignant Hyperthermia panel as uncertain in regard to MH susceptibility. This variant is reported in 0.010% of alleles in individuals of East Asian descent in gnomAD. In summary, we categorize the c.13673G>A variant as likely pathogenic for autosomal recessive RYR1-related disorders; however, the clinical significance of this variant is uncertain in regard to autosomal dominant RYR1-related disorders.

Department of Pathology and Laboratory Medicine, Sinai Health System
Classification: Likely pathogenic for Congenital multicore myopathy with external ophthalmoplegia; Central core myopathy; King Denborough syndrome. Last evaluated: 2023-03-14. Review status: criteria provided, single submitter. Criteria: ACMG Guidelines, 2015. Collection method: research. Allele origin: germline. Not counted in ClinVar's aggregate classification.

Broad Center for Mendelian Genomics, Broad Institute of MIT and Harvard
Classification: Likely pathogenic for Central core myopathy. Last evaluated: 2020-11-16. Review status: criteria provided, single submitter. Criteria: ACMG Guidelines, 2015. Collection method: curation. Allele origin: germline. Inheritance: Autosomal recessive inheritance. Not counted in ClinVar's aggregate classification.
Comment: The p.Arg4558Gln variant has been reported in at least 5 individuals of Belgian or unknown ethnicity with central core myopathy (PMID: 18253926, 25747005, 17226826) and segregated with disease in 2 affected relatives from 2 families. This variant has been identified in 0.01% (2/19952) of East Asian chromosomes by the Genome Aggregation Database (gnomAD; dbSNP ID: rs118192130). The p.Arg4558Gln variant has also been reported in ClinVar (Variation ID: 65984) with conflicting interpretations of pathogenicity. In vitro functional studies provide some evidence that the variant may impact protein function (PMID: 18253926). However, these types of assays may not accurately represent biological function. Computational prediction tools and conservation analyses suggest that this variant may impact the protein, though this information is not predictive enough to determine pathogenicity. The presence of this variant in combination with a reported likely pathogenic variant and in combination with a reported variant of uncertain significance that is confirmed in trans, and in 5 individuals with central core myopathy increases the likelihood that the variant is pathogenic (Variation ID: 65925, 133116; PMID: 18253926, 25747005, 17226826). Multiple variants in the same region as p.Arg4558Gln have been reported in association with disease in ClinVar, and the variant is located in a region of RYR1 that is essential to protein folding and stability, suggesting that this variant is in a hotspot and supports pathogenicity (PMID: 23069638). In summary, although additional studies are required to fully establish its clinical significance, this variant is likely pathogenic. ACMG/AMP Criteria applied: PM2_supporting, PS3_moderate, PP3, PM3_supporting, PM1, PP1 (Richards 2015).

Laboratory for Molecular Medicine, Mass General Brigham Personalized Medicine
Classification: Likely pathogenic for Centronuclear myopathy. Last evaluated: 2020-08-11. Review status: criteria provided, single submitter. Criteria: ACMG Guidelines, 2015. Collection method: clinical testing. Allele origin: germline. Not counted in ClinVar's aggregate classification.
Comment: The p.Arg4558Gln variant in RYR1 has been reported, in the compound heterozygous state, in 3 individuals with autosomal recessive central core myopathy and segregated with disease in 2 affected family members from 2 families (Kossugue 2007 PMID: 17226826, Monnier 2008 PMID: 18253926, Remiche 2015 PMID: 25747005).This variant has been reported in ClinVar (Variation ID 65984) and has also been identified in 2/19952 of East Asian chromosomes by gnomAD. Computational prediction tools and conservation analyses suggest that this variant may impact the protein, though this information is not predictive enough to determine pathogenicity. In summary, although additional studies are required to fully establish its clinical significance, this variant meets criteria to be classified as likely pathogenic for autosomal recessive central core myopathy. ACMG/AMP Criteria applied: PM3_Strong, PP3, PM2, PP1_Moderate.

Illumina Laboratory Services, Illumina
Classification: Likely pathogenic for Central core myopathy. Last evaluated: 2019-01-10. Review status: criteria provided, single submitter. Criteria: ICSL Variant Classification Criteria 09 May 2019. Collection method: clinical testing. Allele origin: germline. Not counted in ClinVar's aggregate classification.
Comment: The RYR1 c.13673G>A (p.Arg4558Gln) variant has been reported in three studies in which it was found in a compound heterozygous state in a total of five probands with central core disease from three families (Kossugue et al. 2007; Monnier et al. 2008; Remiche et al. 2015). In two of the families, the heterozygous parent of the probands was shown to be unaffected, and in one family, the heterozygous sibling was also unaffected (Kossugue et al. 2007; Remiche et al. 2015). The p.Arg4558Gln variant was absent from 200 control chromosomes and is reported at a frequency of 0.00012 in the European American population of the Exome Sequencing Project. However, this frequency is based on one allele only, suggesting the variant is rare. Western blotting revealed reduced RYR1 protein expression in the muscle tissue of one proband (Monnier et al. 2008). The amino acid residue affected by the p.Arg4558Gln variant is evolutionarily conserved and is located in the M5 transmembrane fragment of the calcium channel. Based on the collective evidence, the p.Arg4558Gln variant is classified as likely pathogenic for pathogenicity for central core disease. This variant was observed by ICSL as part of a predisposition screen in an ostensibly healthy population.

Baylor Genetics
Classification: Uncertain significance for Central core myopathy. Last evaluated: 2018-03-02. Review status: criteria provided, single submitter. Criteria: ACMG Guidelines, 2015. Collection method: clinical testing. Allele origin: paternal. Affected: yes. Not counted in ClinVar's aggregate classification.
Comment: This variant was determined to be of uncertain significance according to ACMG Guidelines, 2015 [PMID:25741868].

Eurofins Ntd Llc (ga)
Classification: Uncertain significance. Last evaluated: 2017-01-06. Review status: criteria provided, single submitter. Criteria: EGL Classification Definitions 2015. Collection method: clinical testing. Allele origin: germline. Observed: 1 variant allele, 1 heterozygote. Not counted in ClinVar's aggregate classification.

Genetic Services Laboratory, University of Chicago
Classification: Likely pathogenic. Last evaluated: 2014-03-31. Review status: criteria provided, single submitter. Criteria: ACMG Guidelines, 2007. Collection method: clinical testing. Allele origin: germline. Inheritance: Autosomal unknown. Affected: yes. Not counted in ClinVar's aggregate classification.

CSER _CC_NCGL, University of Washington
Classification: Uncertain significance for Central core disease. Last evaluated: 2014-06-01. Review status: no assertion criteria provided. Collection method: research. Allele origin: germline. Inheritance: Autosomal dominant inheritance. Study: ESP 6500 variant annotation. Not counted in ClinVar's aggregate classification.
Comment: Variants classified for the Actionable exomic incidental findings in 6503 participants: challenges of variant classification manuscript

GeneReviews
Classification: Pathogenic for Central Core Disease. Last evaluated: 2010-05-11. Review status: no assertion criteria provided. Collection method: curation. Allele origin: unknown. Not counted in ClinVar's aggregate classification.
ClinVar note: Converted during submission from pathologic to Pathogenic.

RYR1 database
No classification provided. Review status: no classification provided. Collection method: not provided. Allele origin: unknown. Not counted in ClinVar's aggregate classification.

Literature cited by the submitters: PubMed 17226826 (cited by 5 submitters); PubMed 18253926 (cited by 4 submitters); PubMed 25747005 (cited by 4 submitters); PubMed 23069638 (cited by Broad Center for Mendelian Genomics, Broad Institute of MIT and Harvard).